The following is an entry in ClinVar:

ClinVar aggregate classification (germline): Uncertain significance (1 of 4 stars; one submission).

Conditions:
Parkinsonian-pyramidal syndrome. Also called: PARKINSON DISEASE 15, AUTOSOMAL RECESSIVE; PARKINSON DISEASE 15, AUTOSOMAL RECESSIVE EARLY-ONSET; PALLIDOPYRAMIDAL SYNDROME. Identifiers: Orphanet 171695, MedGen C1850100, MONDO:0009830, OMIM 260300.

Submission:

Labcorp Genetics (formerly Invitae), Labcorp
Classification: Uncertain significance for Parkinsonian-pyramidal syndrome. Last evaluated: 2022-07-18. Review status: criteria provided, single submitter. Criteria: Invitae Variant Classification Sherloc (09022015). Collection method: clinical testing. Allele origin: germline.
Comment: This variant has not been reported in the literature in individuals affected with FBXO7-related conditions. This variant is not present in population databases (gnomAD no frequency). This sequence change replaces serine, which is neutral and polar, with threonine, which is neutral and polar, at codon 437 of the FBXO7 protein (p.Ser437Thr). Algorithms developed to predict the effect of missense changes on protein structure and function (SIFT, PolyPhen-2, Align-GVGD) all suggest that this variant is likely to be tolerated. In summary, the available evidence is currently insufficient to determine the role of this variant in disease. Therefore, it has been classified as a Variant of Uncertain Significance.

NM_012179.4(FBXO7):c.1309T>A (p.Ser437Thr)

Gene: FBXO7 (F-box protein 7; plus strand). Cytogenetic location: 22q12.3.
Variant type: single nucleotide variant.
Coding change: c.1309T>A on transcript NM_012179.4 (MANE Select); coding-DNA position 1309, T replaced by A.
Protein change: p.Ser437Thr; replaces serine 437 with threonine.
Molecular consequence: missense variant.
Genome position (GRCh38, 1-based): chr22:32,498,270, T>A. VCF-style: chr22-32498270-T-A. GRCh37 (hg19) VCF-style: chr22-32894257-T-A.
Other names: c.1072T>A, p.Ser358Thr (NM_001033024.2); c.967T>A, p.Ser323Thr (NM_001257990.2); short protein forms S323T, S437T, S358T.
Identifiers: ClinVar variation 2079510 (VCV002079510.4), dbSNP rs2544671889, ClinGen allele CA411335728.